The following is an entry in ClinVar:

NM_001039213.4(CEACAM16):c.574C>T (p.Arg192Cys)

Genes: CEACAM16 (CEA cell adhesion molecule 16, tectorial membrane component; plus strand), CEACAM16-AS1 (CEACAM16, CEACAM19 and PVR antisense RNA 1; minus strand). Cytogenetic location: 19q13.32.
Variant type: single nucleotide variant.
Coding change: c.574C>T on transcript NM_001039213.4 (MANE Select); coding-DNA position 574, C replaced by T.
Protein change: p.Arg192Cys; replaces arginine 192 with cysteine.
Molecular consequence: missense variant.
Genome position (GRCh38, 1-based): chr19:44,704,209, C>T. VCF-style: chr19-44704209-C-T. GRCh37 (hg19) VCF-style: chr19-45207479-C-T.
Other names: short protein forms R192C.
Identifiers: ClinVar variation 4980010 (VCV004980010.1).

ClinVar aggregate classification (germline): Uncertain significance (1 of 4 stars; one submission).

Conditions:
CEACAM16-related disorder. Also called: CEACAM16-related condition.

gnomAD v4.1: 17 of 1,556,092 alleles (0.0011%); highest among the groups gnomAD compares: South Asian, 0.0095%; no homozygotes.

Submission:

PreventionGenetics, part of Exact Sciences
Classification: Uncertain significance for CEACAM16-related condition. Last evaluated: 2026-07-24. Review status: criteria provided, single submitter. Criteria: ACMG Guidelines, 2015. Collection method: clinical testing. Allele origin: germline.
Comment: The CEACAM16 c.574C>T variant is predicted to result in the amino acid substitution p.Arg192Cys. To our knowledge, this variant has not been reported in the literature. This variant is reported in 0.013% of alleles in individuals of South Asian descent in gnomAD. At this time, the clinical significance of this variant is uncertain due to the absence of conclusive functional and genetic evidence.